The following is an entry in ClinVar:

NM_000918.4(P4HB):c.466G>A (p.Ala156Thr)

Gene: P4HB (prolyl 4-hydroxylase subunit beta; minus strand). Cytogenetic location: 17q25.3.
Variant type: single nucleotide variant.
Coding change: c.466G>A on transcript NM_000918.4 (MANE Select); coding-DNA position 466, G replaced by A.
Protein change: p.Ala156Thr; replaces alanine 156 with threonine.
Molecular consequence: missense variant.
Genome position (GRCh38, 1-based): chr17:81,855,473, C>T on the plus strand (G>A on the coding strand, the complement: P4HB is on the minus strand). VCF-style: chr17-81855473-C-T. GRCh37 (hg19) VCF-style: chr17-79813349-C-T.
Other names: short protein forms A156T.
Identifiers: ClinVar variation 4775036 (VCV004775036.1).
Genomic context (GRCh38, chr17:81,855,473, plus strand): 5'-ATGACGGAAGGAAGGAAGACTGGAATGCTCTGGTCTCTACCTTGAAGAAGCCGATGACAG[C>T]CACCTCGCTGGACTCCACCAAGGACTCTGCAGCTGCGCCGTCAGGCAGGGTGGTGGCAGC-3'
Protein context (NP_000909.2, residues 146-166): AESLVESSEV[Ala156Thr]VIGFFKDVES

ClinVar aggregate classification (germline): Uncertain significance (1 of 4 stars; one submission).

Submission:

Labcorp Genetics (formerly Invitae), Labcorp
Classification: Uncertain significance. Last evaluated: 2025-08-29. Review status: criteria provided, single submitter. Criteria: Invitae Variant Classification Sherloc (09022015). Collection method: clinical testing. Allele origin: germline.
Comment: This sequence change replaces alanine, which is neutral and non-polar, with threonine, which is neutral and polar, at codon 156 of the P4HB protein (p.Ala156Thr). The frequency data for this variant in the population databases is considered unreliable, as metrics indicate poor data quality at this position in the gnomAD database. This variant has not been reported in the literature in individuals affected with P4HB-related conditions. Invitae Evidence Modeling of protein sequence and biophysical properties (such as structural, functional, and spatial information, amino acid conservation, physicochemical variation, residue mobility, and thermodynamic stability) indicates that this missense variant is not expected to disrupt P4HB protein function with a negative predictive value of 80%. In summary, the available evidence is currently insufficient to determine the role of this variant in disease. Therefore, it has been classified as a Variant of Uncertain Significance.